The following is an entry in ClinVar:

ClinVar aggregate classification (germline): Uncertain significance. Review status: criteria provided, multiple submitters, no conflicts (2 of 4 stars). 13 submissions from 13 submitters: Uncertain significance (13). Last evaluated 2025-11-20.

Conditions:
Hereditary cancer-predisposing syndrome. Also called: Tumor predisposition; Hereditary neoplastic syndrome; Hereditary Cancer Syndrome; Neoplastic Syndromes, Hereditary. Identifiers: Orphanet 140162, MedGen C0027672, MeSH D009386, MONDO:0015356.
Familial ovarian cancer. Identifiers: MedGen C5679802, MONDO:0016248.
BRIP1-related disorder. Also called: BRIP1-related condition; BRIP1-related disorders. Identifiers: MedGen CN239206.
Breast and/or ovarian cancer. Identifiers: MedGen CN221562.
Familial cancer of breast. Also called: Hereditary breast cancer; hereditary breast carcinoma; BREAST CANCER, FAMILIAL. Identifiers: Orphanet 227535, MedGen C0346153, MONDO:0016419, OMIM 114480. Disease mechanism: loss of function.
Fanconi anemia complementation group J. Also called: BRIP1-Related Fanconi Anemia. Identifiers: Orphanet 84, MedGen C1836860, MONDO:0012187, OMIM 609054.
Breast-ovarian cancer, familial, susceptibility to, 1 (BROVCA1). Also called: BRCA1 Hereditary Breast and Ovarian Cancer; OVARIAN CANCER, SUSCEPTIBILITY TO. Identifiers: Orphanet 145, MedGen C2676676, MONDO:0011450, OMIM 604370. Disease mechanism: loss of function.

Allele frequency attached by ClinVar (database versions not stated): gnomAD 0.00003 and 0.00004; TOPMed 0.00005.
gnomAD v4.1: 63 of 1,613,634 alleles (0.0039%); highest among the groups gnomAD compares: Non-Finnish European, 0.005%; no homozygotes.

Submissions (13):

Color Diagnostics, LLC DBA Color Health
Classification: Uncertain significance for Hereditary cancer-predisposing syndrome. Last evaluated: 2025-11-20. Review status: criteria provided, single submitter. Criteria: ACMG Guidelines, 2015. Collection method: clinical testing. Allele origin: germline.
Comment: This missense variant replaces serine with phenylalanine at codon 197 of the BRIP1 protein. Computational prediction suggests that this variant may not impact protein structure and function. To our knowledge, functional studies have not been reported for this variant. This variant has been reported in individuals affected with breast cancer (PMID: 26921362) and prostate cancer (PMID: 29368341). In a breast cancer case-control study, this variant has been observed in 3/60463 cases and 3/53458 controlsPMID: 33471991). This variant has been identified in 63/1613634 chromosomes in the general population by the Genome Aggregation Database (gnomAD). The available evidence is insufficient to determine the role of this variant in disease conclusively. Therefore, this variant is classified as a Variant of Uncertain Significance.

Women's Health and Genetics/Laboratory Corporation of America, LabCorp
Classification: Uncertain significance. Last evaluated: 2025-10-31. Review status: criteria provided, single submitter. Criteria: LabCorp Variant Classification Summary - May 2015. Collection method: clinical testing. Allele origin: germline.
Comment: Variant summary: BRIP1 c.590C>T (p.Ser197Phe) results in a non-conservative amino acid change located in the ATP-binding domain (IPR014001) of the encoded protein sequence. Algorithms developed to predict the effect of missense changes on protein structure and function all suggest that this variant is likely to be disruptive. The variant allele was found at a frequency of 2.8e-05 in 251352 control chromosomes. The available data on variant occurrences in the general population are insufficient to allow any conclusion about variant significance.c.590C>T has been reported in individuals affected with breast cancer and prostate cancer (Easton_2016, IsaacssonVelho_2018). Large-scale meta-analyses found that BRIP1 confer high risk for familial ovarian cancer, but not for familial breast cancer (PMID: 29368626, 30733081), therefore, the reported breast cancer patients might not support a pathogenic role for the variant of interest. In addition, one of the reported breast cancer cases was described as homozygous for the variant, however no Fanconi features were noted (Easton_2016). To our knowledge, no experimental evidence demonstrating an impact on protein function has been reported. The following publications have been ascertained in the context of this evaluation (PMID: 33471991, 26921362, 29368341). ClinVar contains an entry for this variant (Variation ID: 142178). Based on the evidence outlined above, the variant was classified as uncertain significance.

PreventionGenetics, part of Exact Sciences
Classification: Uncertain significance for BRIP1-related condition. Last evaluated: 2025-09-20. Review status: criteria provided, single submitter. Criteria: ACMG Guidelines, 2015. Collection method: clinical testing. Allele origin: germline.
Comment: The BRIP1 c.590C>T variant is predicted to result in the amino acid substitution p.Ser197Phe. This variant has been reported as having uncertain significance in a patient with recurrent or metastatic adenocarcinoma of the prostate (Table S1, Isaacsson Velho et al. 2018. PubMed ID: 29368341) and has also been reported in a study of breast cancer patients (Tables S1 and S2, Easton et al. 2016. PubMed ID: 26921362); however, the variant has also been described in unaffected controls (Dorling et al. 2021. PubMed ID: 33471991, supplementary data, reported as 59924499_G>A). This variant is reported in 0.0080% of alleles in individuals of African descent in gnomAD and is interpreted as uncertain significance in ClinVar (Variation ID: 142178). At this time, the clinical significance of this variant is uncertain due to the absence of conclusive functional and genetic evidence.

Quest Diagnostics Nichols Institute San Juan Capistrano
Classification: Uncertain significance. Last evaluated: 2025-06-25. Review status: criteria provided, single submitter. Criteria: Quest Diagnostics criteria. Collection method: clinical testing. Allele origin: unknown.
Comment: The BRIP1 c.590C>T (p.Ser197Phe) variant has been reported in individuals with prostate cancer (PMID: 29368341 (2018)) and breast cancer (PMID: 33471991 (2021), see also LOVD). This variant has also been identified in reportedly healthy individuals (PMID: 33471991 (2021), see also LOVD). This variant has also been observed in the homozygous state in an individual with breast cancer (PMID: 26921362 (2016)). The frequency of this variant in the general population (Genome Aggregation Database) is uninformative in the assessment of its pathogenicity. Analysis of this variant using bioinformatics tools for the prediction of the effect of amino acid changes on protein structure and function yielded conflicting predictions that this variant is benign or damaging. Based on the available information, we are unable to determine the clinical significance of this variant.

Molecular Pathology, Peter Maccallum Cancer Centre
Classification: Uncertain significance for Familial ovarian cancer. Last evaluated: 2025-05-01. Review status: criteria provided, single submitter. Criteria: ACMG Guidelines, 2015. Collection method: clinical testing. Allele origin: germline. Inheritance: Autosomal dominant inheritance.

Ambry Genetics
Classification: Uncertain significance for Hereditary cancer-predisposing syndrome. Last evaluated: 2025-04-01. Review status: criteria provided, single submitter. Criteria: Ambry Variant Classification Scheme 2023. Collection method: clinical testing. Allele origin: germline.
Comment: The p.S197F variant (also known as c.590C>T), located in coding exon 5 of the BRIP1 gene, results from a C to T substitution at nucleotide position 590. The serine at codon 197 is replaced by phenylalanine, an amino acid with highly dissimilar properties. This alteration was observed within individuals with a personal history of breast cancer (Easton DF et al. J Med Genet, 2016 May;53:298-309). This variant was also identified in multiple cohorts of males diagnosed with prostate cancer (Isaacsson Velho P et al. Prostate, 2018 04;78:401-40; Matejcic M et al. JCO Precis Oncol, 2020 Jan;4:32-43).This amino acid position is well conserved in available vertebrate species. In addition, this alteration is predicted to be tolerated by in silico analysis. Since supporting evidence is limited at this time, the clinical significance of this alteration remains unclear.

Labcorp Genetics (formerly Invitae), Labcorp
Classification: Uncertain significance for Familial cancer of breast; Fanconi anemia complementation group J. Last evaluated: 2025-01-29. Review status: criteria provided, single submitter. Criteria: Invitae Variant Classification Sherloc (09022015). Collection method: clinical testing. Allele origin: germline.
Comment: This sequence change replaces serine, which is neutral and polar, with phenylalanine, which is neutral and non-polar, at codon 197 of the BRIP1 protein (p.Ser197Phe). This variant is present in population databases (rs533184563, gnomAD 0.008%). This missense change has been observed in individual(s) with breast cancer (PMID: 26921362). ClinVar contains an entry for this variant (Variation ID: 142178). Invitae Evidence Modeling of protein sequence and biophysical properties (such as structural, functional, and spatial information, amino acid conservation, physicochemical variation, residue mobility, and thermodynamic stability) indicates that this missense variant is not expected to disrupt BRIP1 protein function with a negative predictive value of 95%. In summary, the available evidence is currently insufficient to determine the role of this variant in disease. Therefore, it has been classified as a Variant of Uncertain Significance.

GeneDx
Classification: Uncertain significance. Last evaluated: 2025-01-22. Review status: criteria provided, single submitter. Criteria: GeneDx Variant Classification Process June 2021. Collection method: clinical testing. Allele origin: germline. Affected: yes.
Comment: Observed in individuals with breast or prostate cancer and also in unaffected controls (PMID: 26921362, 29368341, 32832836, 33471991); In silico analysis indicates that this missense variant does not alter protein structure/function; This variant is associated with the following publications: (PMID: 26921362, 29368341, 32832836, 33471991)

Baylor Genetics
Classification: Uncertain significance for Familial cancer of breast. Last evaluated: 2024-03-15. Review status: criteria provided, single submitter. Criteria: ACMG Guidelines, 2015. Collection method: clinical testing. Allele origin: unknown.

CHEO Genetics Diagnostic Laboratory, Children's Hospital of Eastern Ontario
Classification: Uncertain significance for Breast and/or ovarian cancer. Last evaluated: 2023-04-05. Review status: criteria provided, single submitter. Criteria: ACMG Guidelines, 2015. Collection method: clinical testing. Allele origin: germline.

Institute for Clinical Genetics, University Hospital TU Dresden, University Hospital TU Dresden
Classification: Uncertain significance. Last evaluated: 2021-11-03. Review status: criteria provided, single submitter. Criteria: ACMG Guidelines, 2015. Collection method: clinical testing. Allele origin: germline.

Laboratory for Molecular Medicine, Mass General Brigham Personalized Medicine
Classification: Uncertain significance. Last evaluated: 2019-01-03. Review status: criteria provided, single submitter. Criteria: LMM Criteria. Collection method: clinical testing. Allele origin: germline. Observed: 1 variant allele.
Comment: This variant has also been identified in 0.008% (2/24964) of African ch romosomes by gnomAD. Computational prediction tools and conservation analysis do not provide strong support for or against an impact to the protein. Furthermore, although the BRIP1 gene has been reported i n association with multiple cancer types, a ClinGen Expert Panel has only defini tively associated the gene to ovarian cancer and refuted its association with br east cancer. There also appears to be limited evidence for an association with p rostate cancer and no good evidence for an association with colon cancer. In sum mary, the clinical significance of the p.Ser197Phe variant is uncertain. ACMG/AM P Criteria applied: PM2_Supporting.

Institute of Human Genetics, University Hospital of Duesseldorf
Classification: Uncertain significance for Breast-ovarian cancer, familial, susceptibility to, 1. Review status: criteria provided, single submitter. Criteria: ACMG Guidelines, 2015. Collection method: not provided. Allele origin: germline. Inheritance: Autosomal dominant inheritance. Affected: yes.

Literature cited by the submitters: PubMed 26921362 (cited by 6 submitters); PubMed 29368341 (cited by 5 submitters); PubMed 33471991 (cited by Women's Health and Genetics/Laboratory Corporation of America, LabCorp and Quest Diagnostics Nichols Institute San Juan Capistrano); PubMed 32832836 (cited by Quest Diagnostics Nichols Institute San Juan Capistrano and Ambry Genetics).

NM_032043.3(BRIP1):c.590C>T (p.Ser197Phe)

Gene: BRIP1 (BRCA1 interacting DNA helicase 1; minus strand). Cytogenetic location: 17q23.2.
Variant type: single nucleotide variant.
Coding change: c.590C>T on transcript NM_032043.3 (MANE Select); coding-DNA position 590, C replaced by T.
Protein change: p.Ser197Phe; replaces serine 197 with phenylalanine.
Molecular consequence: missense variant.
Genome position (GRCh38, 1-based): chr17:61,847,138, G>A on the plus strand (C>T on the coding strand, the complement: BRIP1 is on the minus strand). VCF-style: chr17-61847138-G-A. GRCh37 (hg19) VCF-style: chr17-59924499-G-A.
Other names: short protein forms S197F.
Identifiers: ClinVar variation 142178 (VCV000142178.44), dbSNP rs533184563, ClinGen allele CA167679.